The following is an entry in ClinVar:

ClinVar aggregate classification (germline): Uncertain significance (1 of 4 stars; one submission).

Conditions:
Primary dilated cardiomyopathy (DCM). Also called: Dilated Cardiomyopathy. Identifiers: Orphanet 217604, MedGen C0007193, MeSH D002311, MONDO:0005021, HP:0001644. Inheritance: Various modes of inheritance.

gnomAD v4.1: 12 of 1,610,774 alleles (0.00074%); highest among the groups gnomAD compares: Non-Finnish European, 0.001%; no homozygotes.

Submission:

Labcorp Genetics (formerly Invitae), Labcorp
Classification: Uncertain significance for Primary dilated cardiomyopathy. Last evaluated: 2022-06-17. Review status: criteria provided, single submitter. Criteria: Invitae Variant Classification Sherloc (09022015). Collection method: clinical testing. Allele origin: germline.
Comment: This sequence change replaces alanine, which is neutral and non-polar, with threonine, which is neutral and polar, at codon 440 of the NEBL protein (p.Ala440Thr). In summary, the available evidence is currently insufficient to determine the role of this variant in disease. Therefore, it has been classified as a Variant of Uncertain Significance. Algorithms developed to predict the effect of missense changes on protein structure and function are either unavailable or do not agree on the potential impact of this missense change (SIFT: "Deleterious"; PolyPhen-2: "Probably Damaging"; Align-GVGD: "Class C0"). This variant has not been reported in the literature in individuals affected with NEBL-related conditions. This variant is not present in population databases (gnomAD no frequency).

NM_006393.3(NEBL):c.1318G>A (p.Ala440Thr)

Gene: NEBL (nebulette; minus strand). Cytogenetic location: 10p12.31.
Variant type: single nucleotide variant.
Coding change: c.1318G>A on transcript NM_006393.3 (MANE Select); coding-DNA position 1318, G replaced by A.
Protein change: p.Ala440Thr; replaces alanine 440 with threonine.
Molecular consequence: missense variant. On other transcripts: intron variant (9).
Genome position (GRCh38, 1-based): chr10:20,840,759, C>T on the plus strand (G>A on the coding strand, the complement: NEBL is on the minus strand). VCF-style: chr10-20840759-C-T. GRCh37 (hg19) VCF-style: chr10-21129688-C-T.
Other names: c.250-27819G>A (NM_001377326.1, NM_001377327.1, NM_001377328.1); c.358-27819G>A (NM_213569.2, NM_001173484.2, NM_001377322.1); c.301-27819G>A (NM_001377324.1); c.292-27819G>A (NM_001377325.1); c.310-27819G>A (NM_001377323.1); short protein forms A440T.
Identifiers: ClinVar variation 1969585 (VCV001969585.5), dbSNP rs770945563, ClinGen allele CA204170494.